The following is an entry in ClinVar:

ClinVar aggregate classification (germline): Pathogenic/Likely pathogenic. Review status: criteria provided, multiple submitters, no conflicts (2 of 4 stars). 2 submissions from 2 submitters: Pathogenic (1); Likely pathogenic (1). Last evaluated 2023-12-12.

Conditions:
Peroxisome biogenesis disorder 3A (Zellweger). Also called: PEROXISOMAL BIOGENESIS DISORDER 3A (ZELLWEGER); Peroxisome biogenesis disorder 3A. Identifiers: Orphanet 912, MedGen C3553929, MONDO:0013927, OMIM 614859.

Allele frequency attached by ClinVar (database versions not stated): gnomAD exomes below 0.00001.

Submissions (2):

Labcorp Genetics (formerly Invitae), Labcorp
Classification: Pathogenic for Peroxisome biogenesis disorder 3A (Zellweger). Last evaluated: 2023-12-12. Review status: criteria provided, single submitter. Criteria: Invitae Variant Classification Sherloc (09022015). Collection method: clinical testing. Allele origin: germline.
Comment: This sequence change creates a premature translational stop signal (p.Ser47*) in the PEX12 gene. It is expected to result in an absent or disrupted protein product. Loss-of-function variants in PEX12 are known to be pathogenic (PMID: 9090384, 9632816, 21031596). This variant is not present in population databases (gnomAD no frequency). This variant has not been reported in the literature in individuals affected with PEX12-related conditions. For these reasons, this variant has been classified as Pathogenic.

Baylor Genetics
Classification: Likely pathogenic for Peroxisome biogenesis disorder 3A (Zellweger). Last evaluated: 2021-12-16. Review status: criteria provided, single submitter. Criteria: ACMG Guidelines, 2015. Collection method: clinical testing. Allele origin: unknown.

Literature cited by the submitters: PubMed 9090384 (cited by Labcorp Genetics (formerly Invitae), Labcorp); PubMed 9632816 (cited by Labcorp Genetics (formerly Invitae), Labcorp); PubMed 21031596 (cited by Labcorp Genetics (formerly Invitae), Labcorp).

NM_000286.3(PEX12):c.140C>G (p.Ser47Ter)

Gene: PEX12 (peroxisomal biogenesis factor 12; minus strand). Cytogenetic location: 17q12.
Variant type: single nucleotide variant.
Coding change: c.140C>G on transcript NM_000286.3 (MANE Select); coding-DNA position 140, C replaced by G.
Protein change: p.Ser47Ter; replaces serine 47 with a stop codon.
Molecular consequence: nonsense.
Genome position (GRCh38, 1-based): chr17:35,577,578, G>C on the plus strand (C>G on the coding strand, the complement: PEX12 is on the minus strand). VCF-style: chr17-35577578-G-C. GRCh37 (hg19) VCF-style: chr17-33904597-G-C.
Other names: short protein forms S47*.
Identifiers: ClinVar variation 2677666 (VCV002677666.4), dbSNP rs2509170684, ClinGen allele CA399138777.